The following is an entry in ClinVar:

ClinVar aggregate classification (germline): Uncertain significance (3 of 4 stars; one submission).

Conditions:
Bernard Soulier syndrome (BSS). Also called: BLEEDING DISORDER, PLATELET-TYPE, 1; PLATELET GLYCOPROTEIN Ib DEFICIENCY; VON WILLEBRAND FACTOR RECEPTOR DEFICIENCY; Platelet Glycoprotein 1b, Deficiency of; Giant platelet syndrome; Hemorrhagiparous thrombocytic dystrophy. Identifiers: Orphanet 274, MedGen C0005129, MeSH D001606, MONDO:0009276, OMIM 231200.

Submission:

ClinGen Platelet Disorders Variant Curation Expert Panel, ClinGen
Classification: Uncertain significance for Bernard Soulier syndrome. Last evaluated: 2026-02-05. Review status: reviewed by expert panel. Criteria: ClinGen Platelet ACMG Specifications GP9 V1.0.0. Collection method: curation. Allele origin: germline. Inheritance: Autosomal recessive inheritance.
Comment: The NC_000003.12:g.129061736_129061746del variant in GP9 may cause a truncated or absent protein by altering the start codon of the coding sequence and is predicted to lead to the omission of a critical region of the protein (PVS1_Moderate). At least one patient (Patient 1 in PMID:21113250) with this variant had less than 10% expression of GP9 measured by flow cytometry, which is highly specific for Bernard-Soulier syndrome. Platelet aggregation assays were not performed because of severe thrombocytopenia. Additionally, the patient had excessive mucocutaneous bleeding and which is consistent with Bernard-Soulier syndrome (PP4). This variant is absent from gnomAD v4.1.0 (PM2_Supporting). In summary, this variant meets the criteria to be classified as VUS for autosomal recessive Bernard-Soulier syndrome based on the ACMG/AMP criteria applied, as specified by the ClinGen PD VCEP: PVS1_Moderate, PP4, PM3_Supporting and PM2_Supporting (VCEP specifications version 1.1).

NM_000174.5(GP9):c.-4_7del (p.Met1fs)

Gene: GP9 (glycoprotein IX platelet; plus strand). Cytogenetic location: 3q21.3.
Variant type: Deletion.
Coding change: c.-4_7del on transcript NM_000174.5 (MANE Select); 4 bases upstream of the start codon through coding-DNA position 7, 11 bases deleted (TCCCATGCCTG).
Protein change: p.Met1fs; shifts the reading frame from methionine 1.
Molecular consequence: frameshift variant, initiator codon variant.
Genome position (GRCh38, 1-based): chr3:129,061,736-129,061,746, TCCCATGCCTG deleted; deleting any 11 consecutive bases within chr3:129,061,731-129,061,746 gives the same sequence; the c. name uses the placement nearest the transcript's 3' end. VCF-style (leftmost placement, unchanged base first): chr3-129061730-AGCCTGTCCCAT-A. GRCh37 (hg19) VCF-style: chr3-128780573-AGCCTGTCCCAT-A.
Other names: NM_000174.5:c.-4_7del; short protein forms M1fs.
Identifiers: ClinVar variation 4849241 (VCV004849241.1).